The following is an entry in ClinVar:

ClinVar aggregate classification (germline): Uncertain significance (1 of 4 stars; one submission).

Conditions:
Fanconi anemia (FA). Also called: Fanconi's anemia. Identifiers: Orphanet 84, MedGen C0015625, MeSH D005199, MONDO:0019391.

Allele frequency attached by ClinVar (database versions not stated): gnomAD exomes 0.00001; ExAC 0.00002.

Submission:

Labcorp Genetics (formerly Invitae), Labcorp
Classification: Uncertain significance for Fanconi anemia. Last evaluated: 2022-07-03. Review status: criteria provided, single submitter. Criteria: Invitae Variant Classification Sherloc (09022015). Collection method: clinical testing. Allele origin: germline.
Comment: This sequence change replaces asparagine, which is neutral and polar, with aspartic acid, which is acidic and polar, at codon 257 of the FANCD2 protein (p.Asn257Asp). This variant is present in population databases (rs781525182, gnomAD 0.003%). This variant has not been reported in the literature in individuals affected with FANCD2-related conditions. Algorithms developed to predict the effect of missense changes on protein structure and function output the following: SIFT: "Tolerated"; PolyPhen-2: "Benign"; Align-GVGD: "Class C0". The aspartic acid amino acid residue is found in multiple mammalian species, which suggests that this missense change does not adversely affect protein function. Algorithms developed to predict the effect of sequence changes on RNA splicing suggest that this variant may create or strengthen a splice site. In summary, the available evidence is currently insufficient to determine the role of this variant in disease. Therefore, it has been classified as a Variant of Uncertain Significance.

NM_001018115.3(FANCD2):c.769A>G (p.Asn257Asp)

Genes: FANCD2 (FA complementation group D2; plus strand), LOC107303338 (3p25 FANCD2 Alu-mediated recombination region; plus strand). Cytogenetic location: 3p25.3.
Variant type: single nucleotide variant.
Coding change: c.769A>G on transcript NM_001018115.3 (MANE Select); coding-DNA position 769, A replaced by G.
Protein change: p.Asn257Asp; replaces asparagine 257 with aspartic acid.
Molecular consequence: missense variant.
Genome position (GRCh38, 1-based): chr3:10,041,696, A>G. VCF-style: chr3-10041696-A-G. GRCh37 (hg19) VCF-style: chr3-10083380-A-G.
Other names: c.769A>G, p.Asn257Asp (NM_001319984.2, NM_001374253.1, NM_001374254.1 and 1 more transcripts); short protein forms N257D.
Identifiers: ClinVar variation 2155910 (VCV002155910.1), dbSNP rs781525182, ClinGen allele CA2249344.